The following is an entry in ClinVar:

ClinVar aggregate classification (germline): Conflicting classifications of pathogenicity. Review status: criteria provided, conflicting classifications (1 of 4 stars). 3 submissions from 3 submitters: Uncertain significance (1); Likely benign (2). Last evaluated 2026-05-11.

Conditions:
Hereditary hemorrhagic telangiectasia (HHT). Also called: Osler hemorrhagic telangiectasia syndrome; ORW DISEASE; Osler Weber Rendu syndrome; OSLER-RENDU-WEBER DISEASE. Identifiers: Orphanet 774, MedGen C0039445, MONDO:0019180. Disease mechanism: loss of function.
Cardiovascular phenotype. Identifiers: MedGen CN230736.

Allele frequency attached by ClinVar (database versions not stated): TOPMed 0.00005; gnomAD 0.00008; ExAC 0.00002; gnomAD exomes 0.00002 and 0.00007.
gnomAD v4.1: 104 of 1,557,544 alleles (0.0067%); highest among the groups gnomAD compares: Middle Eastern, 0.017%; no homozygotes.

Submissions (3):

Ambry Genetics
Classification: Likely benign for Cardiovascular phenotype. Last evaluated: 2026-05-11. Review status: criteria provided, single submitter. Criteria: Ambry Variant Classification Scheme 2023. Collection method: clinical testing. Allele origin: germline.

Labcorp Genetics (formerly Invitae), Labcorp
Classification: Likely benign for Hereditary hemorrhagic telangiectasia. Last evaluated: 2025-10-31. Review status: criteria provided, single submitter. Criteria: Invitae Variant Classification Sherloc (09022015). Collection method: clinical testing. Allele origin: germline.

GeneDx
Classification: Uncertain significance. Last evaluated: 2019-06-24. Review status: criteria provided, single submitter. Criteria: GeneDx Variant Classification Process June 2021. Collection method: clinical testing. Allele origin: germline. Affected: yes.
Comment: Has not been previously published as pathogenic or benign to our knowledge; In silico analysis, which includes protein predictors and evolutionary conservation, supports that this variant does not alter protein structure/function; Reported in ClinVar but additional evidence is not available (ClinVar Variant ID# 570034; Landrum et al., 2016)

NM_001114753.3(ENG):c.1015G>A (p.Ala339Thr)

Gene: ENG (endoglin; minus strand). Cytogenetic location: 9q34.11.
Variant type: single nucleotide variant.
Coding change: c.1015G>A on transcript NM_001114753.3 (MANE Select); coding-DNA position 1015, G replaced by A.
Protein change: p.Ala339Thr; replaces alanine 339 with threonine.
Molecular consequence: missense variant.
Genome position (GRCh38, 1-based): chr9:127,824,423, C>T on the plus strand (G>A on the coding strand, the complement: ENG is on the minus strand). VCF-style: chr9-127824423-C-T. GRCh37 (hg19) VCF-style: chr9-130586702-C-T.
Other names: c.1015G>A (NM_000118.2, NM_001114753.1); c.1015G>A, p.Ala339Thr (NM_000118.4, NM_001406715.1); c.469G>A, p.Ala157Thr (NM_001278138.2); short protein forms A339T, A157T.
Identifiers: ClinVar variation 570034 (VCV000570034.12), dbSNP rs761463410, ClinGen allele CA5252899.